The following is an entry in ClinVar:

ClinVar aggregate classification (germline): Uncertain significance. Review status: criteria provided, multiple submitters, no conflicts (2 of 4 stars). 2 submissions from 2 submitters: Uncertain significance (2). Last evaluated 2024-07-30.

Conditions:
Inborn genetic diseases. Identifiers: MedGen C0950123, MeSH D030342.

Allele frequency attached by ClinVar (database versions not stated): gnomAD exomes below 0.00001 and 0.00001; TOPMed 0.00002.
gnomAD v4.1: 3 of 1,555,376 alleles (0.00019%); highest among the groups gnomAD compares: East Asian, 0.0024%; no homozygotes.

Submissions (2):

Ambry Genetics
Classification: Uncertain significance for Inborn genetic diseases. Last evaluated: 2024-07-30. Review status: criteria provided, single submitter. Criteria: Ambry Variant Classification Scheme 2023. Collection method: clinical testing. Allele origin: germline.

GeneDx
Classification: Uncertain significance. Last evaluated: 2017-11-15. Review status: criteria provided, single submitter. Criteria: GeneDx Variant Classification (06012015). Collection method: clinical testing. Allele origin: germline. Affected: yes.
Comment: A variant of uncertain significance has been identified in the NR2F1 gene. The G71S variant has not been published as a pathogenic variant, nor has it been reported as a benign variant to our knowledge. The G71S variant is not observed in large population cohorts (Lek et al., 2016; 1000 Genomes Consortium et al., 2015; Exome Variant Server). The G71S variant is a non-conservative amino acid substitution, which is likely to impact secondary protein structure as these residues differ in polarity, charge, size and/or other properties. This substitution occurs at a position that is conserved in mammals. However, in silico analysis is inconsistent in its predictions as to whether or not the variant is damaging to the protein structure/function. Therefore, based on the currently available information, it is unclear whether this variant is a pathogenic variant or a rare benign variant.

NM_005654.6(NR2F1):c.211G>A (p.Gly71Ser)

Genes: NR2F1 (nuclear receptor subfamily 2 group F member 1; plus strand), NR2F1-AS1 (NR2F1 regulatory antisense RNA 1; minus strand). Cytogenetic location: 5q15.
Variant type: single nucleotide variant.
Coding change: c.211G>A on transcript NM_005654.6 (MANE Select); coding-DNA position 211, G replaced by A.
Protein change: p.Gly71Ser; replaces glycine 71 with serine.
Molecular consequence: missense variant.
Genome position (GRCh38, 1-based): chr5:93,585,234, G>A. VCF-style: chr5-93585234-G-A. GRCh37 (hg19) VCF-style: chr5-92920940-G-A.
Other names: short protein forms G71S.
Identifiers: ClinVar variation 429402 (VCV000429402.3), dbSNP rs1131691363, ClinGen allele CA360525760.
Genomic context (GRCh38, chr5:93,585,234, plus strand): 5'-ACGCCGCAGACCCCGGGCCAGCCCGGAGCGCCCGCCACCCCCGGCACGGCGGGGGACAAG[G>A]GCCAGGGCCCGCCCGGTTCGGGCCAGAGCCAGCAGCACATCGAGTGCGTGGTGTGCGGGG-3'
Protein context (NP_005645.1, residues 61-81): PATPGTAGDK[Gly71Ser]QGPPGSGQSQ